The following is an entry in ClinVar:

ClinVar aggregate classification (germline): Uncertain significance (1 of 4 stars; one submission).

Conditions:
CSF3R-related disorder. Also called: CSF3R-related condition.

Submission:

PreventionGenetics, part of Exact Sciences
Classification: Uncertain significance for CSF3R-related condition. Last evaluated: 2026-05-23. Review status: criteria provided, single submitter. Criteria: ACMG Guidelines, 2015. Collection method: clinical testing. Allele origin: germline.
Comment: The CSF3R c.1865-6C>G variant is predicted to interfere with splicing. This variant is predicted to alter splicing based on available splicing prediction programs (SpliceAI, Jaganathan et al. 2019. PubMed ID: 30661751). However, the use of computer prediction programs is not equivalent to functional evidence. To our knowledge, this variant has not been reported in the literature or in a large population database (gnomAD), indicating this variant is rare. At this time, the clinical significance of this variant is uncertain due to the absence of conclusive functional and genetic evidence.

NM_000760.4(CSF3R):c.1865-6C>G

Gene: CSF3R (colony stimulating factor 3 receptor; minus strand). Cytogenetic location: 1p34.3.
Variant type: single nucleotide variant.
Coding change: c.1865-6C>G on transcript NM_000760.4 (MANE Select); 6 bases into the intron before coding-DNA position 1865, C replaced by G.
Molecular consequence: intron variant.
Genome position (GRCh38, 1-based): chr1:36,467,657, G>C on the plus strand (C>G on the coding strand, the complement: CSF3R is on the minus strand). VCF-style: chr1-36467657-G-C. GRCh37 (hg19) VCF-style: chr1-36933258-G-C.
Other names: c.1865-6C>G (NM_156039.3, NM_172313.3).
Identifiers: ClinVar variation 4996463 (VCV004996463.1).